The following is an entry in ClinVar:

NM_004304.5(ALK):c.1305G>A (p.Met435Ile)

Gene: ALK (ALK receptor tyrosine kinase; minus strand). Cytogenetic location: 2p23.2.
Variant type: single nucleotide variant.
Coding change: c.1305G>A on transcript NM_004304.5 (MANE Select); coding-DNA position 1305, G replaced by A.
Protein change: p.Met435Ile; replaces methionine 435 with isoleucine.
Molecular consequence: missense variant.
Genome position (GRCh38, 1-based): chr2:29,328,459, C>T on the plus strand (G>A on the coding strand, the complement: ALK is on the minus strand). VCF-style: chr2-29328459-C-T. GRCh37 (hg19) VCF-style: chr2-29551325-C-T.
Other names: short protein forms M435I.
Identifiers: ClinVar variation 2766515 (VCV002766515.3), dbSNP rs2465459722, ClinGen allele CA346474519.

ClinVar aggregate classification (germline): Uncertain significance (1 of 4 stars; one submission).

Conditions:
Neuroblastoma, susceptibility to, 3. Also called: ALK-Related Neuroblastic Tumor Susceptibility. Identifiers: Orphanet 635, MedGen C2751681, MONDO:0013083, OMIM 613014.

Allele frequency attached by ClinVar (database versions not stated): gnomAD exomes below 0.00001.
gnomAD v4.1: 1 of 1,614,206 alleles (0.000062%); highest among the groups gnomAD compares: Non-Finnish European, 0.000085%; no homozygotes.

Submission:

Labcorp Genetics (formerly Invitae), Labcorp
Classification: Uncertain significance for Neuroblastoma, susceptibility to, 3. Last evaluated: 2023-10-06. Review status: criteria provided, single submitter. Criteria: Invitae Variant Classification Sherloc (09022015). Collection method: clinical testing. Allele origin: germline.
Comment: This sequence change replaces methionine, which is neutral and non-polar, with isoleucine, which is neutral and non-polar, at codon 435 of the ALK protein (p.Met435Ile). This variant is not present in population databases (gnomAD no frequency). This variant has not been reported in the literature in individuals affected with ALK-related conditions. An algorithm developed to predict the effect of missense changes on protein structure and function (PolyPhen-2) suggests that this variant is likely to be disruptive. In summary, the available evidence is currently insufficient to determine the role of this variant in disease. Therefore, it has been classified as a Variant of Uncertain Significance.